The following is an entry in ClinVar:

NM_198581.3(ZC3H6):c.525G>A (p.Arg175=)

Gene: ZC3H6 (zinc finger CCCH-type containing 6; plus strand). Cytogenetic location: 2q14.1.
Variant type: single nucleotide variant.
Coding change: c.525G>A on transcript NM_198581.3 (MANE Select); coding-DNA position 525, G replaced by A.
Protein change: p.Arg175=; no amino-acid change (arginine 175 retained).
Molecular consequence: synonymous variant.
Genome position (GRCh38, 1-based): chr2:112,310,073, G>A. VCF-style: chr2-112310073-G-A. GRCh37 (hg19) VCF-style: chr2-113067650-G-A.
Identifiers: ClinVar variation 2651273 (VCV002651273.24), dbSNP rs200114305, ClinGen allele CA1833424.
Genomic context (GRCh38, chr2:112,310,073, plus strand): 5'-CTTTGGTAACTACGGTCAGGAAACAGAGGAAGATTTTGCCAATCAGCTGAAACAATACAG[G>A]CAAGCTAAAGAAACCTCAAATATTGCTTTAGGGTCATCATTTTCTAAAGAATCAGGAAAA-3'
Protein context (NP_940983.2, residues 165-185): EDFANQLKQY[Arg175=]QAKETSNIAL

ClinVar aggregate classification (germline): Likely benign (1 of 4 stars; one submission).

Allele frequency attached by ClinVar (database versions not stated): 1000 Genomes Project 0.00040; 1000 Genomes Project 30x 0.00047; TOPMed 0.00148; gnomAD 0.00172; ESP Exome Variant Server 0.00193; ExAC 0.00227; gnomAD exomes 0.00291.

Submission:

CeGaT Center for Human Genetics Tuebingen
Classification: Likely benign. Last evaluated: 2022-03-01. Review status: criteria provided, single submitter. Criteria: CeGaT Center For Human Genetics Tuebingen Variant Classification Criteria Version 2. Collection method: clinical testing. Allele origin: germline. Affected: yes. Observed: 1 variant allele.
Comment: ZC3H6: BP4, BP7